The following is an entry in ClinVar:

NM_133497.4(KCNV2):c.314G>A (p.Gly105Asp)

Gene: KCNV2 (potassium voltage-gated channel modifier subfamily V member 2; plus strand). Cytogenetic location: 9p24.2.
Variant type: single nucleotide variant.
Coding change: c.314G>A on transcript NM_133497.4 (MANE Select); coding-DNA position 314, G replaced by A.
Protein change: p.Gly105Asp; replaces glycine 105 with aspartic acid.
Molecular consequence: missense variant.
Genome position (GRCh38, 1-based): chr9:2,718,053, G>A. VCF-style: chr9-2718053-G-A. GRCh37 (hg19) VCF-style: chr9-2718053-G-A.
Other names: short protein forms G105D.
Identifiers: ClinVar variation 1038778 (VCV001038778.7), dbSNP rs762210764, ClinGen allele CA372796508.

ClinVar aggregate classification (germline): Uncertain significance. Review status: criteria provided, multiple submitters, no conflicts (2 of 4 stars). 2 submissions from 2 submitters: Uncertain significance (2). Last evaluated 2022-11-23.

Allele frequency attached by ClinVar (database versions not stated): gnomAD 0.00001.
gnomAD v4.1: 1 of 1,608,160 alleles (0.000062%); highest among the groups gnomAD compares: African/African-American, 0.0013%; no homozygotes.

Submissions (2):

Blueprint Genetics
Classification: Uncertain significance. Last evaluated: 2022-11-23. Review status: criteria provided, single submitter. Criteria: ACMG Guidelines, 2015. Collection method: clinical testing. Allele origin: germline.

Labcorp Genetics (formerly Invitae), Labcorp
Classification: Uncertain significance. Last evaluated: 2022-02-24. Review status: criteria provided, single submitter. Criteria: Invitae Variant Classification Sherloc (09022015). Collection method: clinical testing. Allele origin: germline.
Comment: This variant has not been reported in the literature in individuals affected with KCNV2-related conditions. In summary, the available evidence is currently insufficient to determine the role of this variant in disease. Therefore, it has been classified as a Variant of Uncertain Significance. Algorithms developed to predict the effect of missense changes on protein structure and function are either unavailable or do not agree on the potential impact of this missense change (SIFT: "Deleterious"; PolyPhen-2: "Probably Damaging"; Align-GVGD: "Class C0"). ClinVar contains an entry for this variant (Variation ID: 1038778). This variant is present in population databases (no rsID available, gnomAD 0.01%). This sequence change replaces glycine, which is neutral and non-polar, with aspartic acid, which is acidic and polar, at codon 105 of the KCNV2 protein (p.Gly105Asp).